The following is an entry in ClinVar:

NM_001048174.2(MUTYH):c.524G>T (p.Arg175Leu)

Gene: MUTYH (mutY DNA glycosylase; minus strand). Cytogenetic location: 1p34.1.
Variant type: single nucleotide variant.
Coding change: c.524G>T on transcript NM_001048174.2 (MANE Select); coding-DNA position 524, G replaced by T.
Protein change: p.Arg175Leu; replaces arginine 175 with leucine.
Molecular consequence: missense variant. On other transcripts: non-coding transcript variant (2).
Genome position (GRCh38, 1-based): chr1:45,332,656, C>A on the plus strand (G>T on the coding strand, the complement: MUTYH is on the minus strand). VCF-style: chr1-45332656-C-A. GRCh37 (hg19) VCF-style: chr1-45798328-C-A.
Other names: c.524G>T, p.Arg175Leu (NM_001048171.2, NM_001048173.2, NM_001293195.2); c.527G>T, p.Arg176Leu (NM_001048172.2); c.608G>T, p.Arg203Leu (NM_001128425.2); c.569G>T, p.Arg190Leu (NM_001293190.2); c.557G>T, p.Arg186Leu (NM_001293191.2); c.248G>T, p.Arg83Leu (NM_001293192.2, NM_001293196.2); c.179G>T, p.Arg60Leu (NM_001350650.2, NM_001350651.2); c.599G>T, p.Arg200Leu (NM_012222.3); short protein forms R203L, R175L, R186L, R190L, R60L, R176L, R83L, R200L.
Identifiers: ClinVar variation 406851 (VCV000406851.8), dbSNP rs538383136, ClinGen allele CA16610137.

ClinVar aggregate classification (germline): Uncertain significance (1 of 4 stars; one submission).

Conditions:
Familial adenomatous polyposis 2. Also called: COLORECTAL ADENOMATOUS POLYPOSIS, AUTOSOMAL RECESSIVE; MUTYH Polyposis; MUTYH-associated polyposis; MUTYH-related attenuated familial adenomatous polyposis; Adenomas, multiple colorectal; ADENOMAS, MULTIPLE COLORECTAL, AUTOSOMAL RECESSIVE. Identifiers: Orphanet 220460, Orphanet 247798, MedGen C3272841, MONDO:0012041, OMIM 608456.

Submission:

Labcorp Genetics (formerly Invitae), Labcorp
Classification: Uncertain significance for Familial adenomatous polyposis 2. Last evaluated: 2024-11-25. Review status: criteria provided, single submitter. Criteria: Invitae Variant Classification Sherloc (09022015). Collection method: clinical testing. Allele origin: germline.
Comment: This sequence change replaces arginine, which is basic and polar, with leucine, which is neutral and non-polar, at codon 203 of the MUTYH protein (p.Arg203Leu). This variant is not present in population databases (gnomAD no frequency). This variant has not been reported in the literature in individuals affected with MUTYH-related conditions. ClinVar contains an entry for this variant (Variation ID: 406851). An algorithm developed to predict the effect of missense changes on protein structure and function (PolyPhen-2) suggests that this variant is likely to be disruptive. In summary, the available evidence is currently insufficient to determine the role of this variant in disease. Therefore, it has been classified as a Variant of Uncertain Significance.